The following is an entry in ClinVar:

NM_001267550.2(TTN):c.66616T>C (p.Cys22206Arg)

Genes: TTN (titin; minus strand), TTN-AS1 (TTN antisense RNA 1; plus strand). Cytogenetic location: 2q31.2.
Variant type: single nucleotide variant.
Coding change: c.66616T>C on transcript NM_001267550.2 (MANE Select); coding-DNA position 66616, T replaced by C.
Protein change: p.Cys22206Arg; replaces cysteine 22206 with arginine.
Molecular consequence: missense variant.
Genome position (GRCh38, 1-based): chr2:178,581,652, A>G on the plus strand (T>C on the coding strand, the complement: TTN is on the minus strand). VCF-style: chr2-178581652-A-G. GRCh37 (hg19) VCF-style: chr2-179446379-A-G.
Other names: p.C20565R:TGC>CGC; c.61693T>C, p.Cys20565Arg (NM_001256850.1); c.39421T>C, p.Cys13141Arg (NM_003319.4); c.58912T>C, p.Cys19638Arg (NM_133378.4); c.39796T>C, p.Cys13266Arg (NM_133432.3); c.39997T>C, p.Cys13333Arg (NM_133437.4); short protein forms C20565R, C22206R, C13141R, C19638R, C13266R, C13333R.
Identifiers: ClinVar variation 202802 (VCV000202802.2), dbSNP rs794729480, ClinGen allele CA310334.

ClinVar aggregate classification (germline): Uncertain significance (1 of 4 stars; one submission).

Submission:

GeneDx
Classification: Uncertain significance. Last evaluated: 2014-08-27. Review status: criteria provided, single submitter. Criteria: GeneDx Variant Classification (06012015). Collection method: clinical testing. Allele origin: germline. Affected: yes.
Comment: Missense variants in the TTN gene are considered 'unclassified' if they are not previously reported in the literature and do not have >1% frequency in the population to be considered a polymorphism. Research indicates that truncating mutations in the TTN gene are expected to account for approximately 25% of familial and 18% of sporadic idiopathic DCM; however, truncating variants in the TTN gene have been reported in approximately 3% of reported control alleles. There has been little investigation into non-truncating variants. (Herman D et al. Truncations of titin causing dilated cardiomyopathy. N Eng J Med 366:619-628, 2012) The variant is found in DCM-CRDM panel(s).